The following is an entry in ClinVar:

ClinVar aggregate classification (germline): Uncertain significance (1 of 4 stars; one submission).

Allele frequency attached by ClinVar (database versions not stated): gnomAD exomes below 0.00001; ExAC 0.00001.

Submission:

Labcorp Genetics (formerly Invitae), Labcorp
Classification: Uncertain significance. Last evaluated: 2021-05-18. Review status: criteria provided, single submitter. Criteria: Invitae Variant Classification Sherloc (09022015). Collection method: clinical testing. Allele origin: germline.
Comment: In summary, the available evidence is currently insufficient to determine the role of this variant in disease. Therefore, it has been classified as a Variant of Uncertain Significance. Experimental studies have shown that this variant does not substantially affect FLVCR1 protein function (PMID: 31408049). This variant has been observed in individual(s) with FLVCR1-related conditions (PMID: 27923065, 28766925). In at least one individual the data is consistent with the variant being in trans (on the opposite chromosome) from a pathogenic variant. This variant is present in population databases (rs753000469, ExAC 0.002%). This sequence change replaces proline with serine at codon 221 of the FLVCR1 protein (p.Pro221Ser). The proline residue is highly conserved and there is a moderate physicochemical difference between proline and serine.

Literature cited by the submitters: PubMed 31408049; PubMed 27923065; PubMed 28766925.

NM_014053.4(FLVCR1):c.661C>T (p.Pro221Ser)

Gene: FLVCR1 (FLVCR choline and heme transporter 1; plus strand). Cytogenetic location: 1q32.3.
Variant type: single nucleotide variant.
Coding change: c.661C>T on transcript NM_014053.4 (MANE Select); coding-DNA position 661, C replaced by T.
Protein change: p.Pro221Ser; replaces proline 221 with serine.
Molecular consequence: missense variant.
Genome position (GRCh38, 1-based): chr1:212,859,113, C>T. VCF-style: chr1-212859113-C-T. GRCh37 (hg19) VCF-style: chr1-213032455-C-T.
Other names: short protein forms P221S.
Identifiers: ClinVar variation 1449666 (VCV001449666.8), dbSNP rs753000469, ClinGen allele CA1385924.